The following is an entry in ClinVar:

ClinVar aggregate classification (germline): Uncertain significance (1 of 4 stars; one submission).

Conditions:
Acrodysostosis 2 with or without hormone resistance. Also called: ACRODYSOSTOSIS 2 WITH HORMONE RESISTANCE; ACRODYSOSTOSIS 2 WITHOUT HORMONE RESISTANCE. Identifiers: Orphanet 280651, MedGen C3553250, MONDO:0013822, OMIM 614613.

Submission:

Clinical Genomics Laboratory, Washington University in St. Louis
Classification: Uncertain significance for Acrodysostosis 2 with or without hormone resistance. Last evaluated: 2024-01-12. Review status: criteria provided, single submitter. Criteria: ACMG Guidelines, 2015. Collection method: clinical testing. Allele origin: germline.
Comment: The PDE4D c.1828C>A (p.Gln610Lys) variant, to our knowledge, has not been reported in the medical literature and is absent from the general population (gnomAD v.2.1.1), indicating it is not a common variant. This variant resides within a region, amino acids 386-715, of PDE4D that is a functional domain (Lindstrand A et al., PMID: 24203977). Computational predictors are uncertain as to the impact of this variant on PDE4D function. Due to limited information, and based on ACMG/AMP guidelines for variant interpretation (Richards S et al., PMID: 25741868), the clinical significance of this variant is uncertain at this time.

NM_001104631.2(PDE4D):c.1828C>A (p.Gln610Lys)

Gene: PDE4D (phosphodiesterase 4D; minus strand). Cytogenetic location: 5q11.2.
Variant type: single nucleotide variant.
Coding change: c.1828C>A on transcript NM_001104631.2 (MANE Select); coding-DNA position 1828, C replaced by A.
Protein change: p.Gln610Lys; replaces glutamine 610 with lysine.
Molecular consequence: missense variant.
Genome position (GRCh38, 1-based): chr5:58,976,352, G>T on the plus strand (C>A on the coding strand, the complement: PDE4D is on the minus strand). VCF-style: chr5-58976352-G-T. GRCh37 (hg19) VCF-style: chr5-58272179-G-T.
Other names: c.1645C>A, p.Gln549Lys (NM_001165899.2, NM_001364599.1); c.1636C>A, p.Gln546Lys (NM_001197218.2); c.1462C>A, p.Gln488Lys (NM_001197219.2); c.1438C>A, p.Gln480Lys (NM_001197220.2); c.922C>A, p.Gln308Lys (NM_001197221.2, NM_001364603.1); c.1156C>A, p.Gln386Lys (NM_001197222.2); c.955C>A, p.Gln319Lys (NM_001197223.2); c.1615C>A, p.Gln539Lys (NM_001349241.2); and 3 more; short protein forms Q308K, Q319K, Q354K, Q386K, Q474K, Q480K, Q488K, Q500K.
Identifiers: ClinVar variation 3236640 (VCV003236640.1), dbSNP rs1373455491, ClinGen allele CA359814562.